The following is an entry in ClinVar:

ClinVar aggregate classification (germline): Conflicting classifications of pathogenicity. Review status: criteria provided, conflicting classifications (1 of 4 stars). 6 submissions from 6 submitters: Uncertain significance (2); Benign (1); Likely benign (2). 1 of the submissions does not count toward it. Last evaluated 2026-07-31.

Conditions:
Becker muscular dystrophy (BMD). Also called: MUSCULAR DYSTROPHY, PSEUDOHYPERTROPHIC PROGRESSIVE, BECKER TYPE; Becker Muscular Dystrophy (BMD). Identifiers: Orphanet 98895, MedGen C0917713, MONDO:0010311, OMIM 300376.
Duchenne muscular dystrophy (DMD). Also called: MUSCULAR DYSTROPHY, PSEUDOHYPERTROPHIC PROGRESSIVE, DUCHENNE TYPE; Duchenne Muscular Dystrophy (DMD). Identifiers: Orphanet 98896, MedGen C0013264, MONDO:0010679, OMIM 310200.
Dystrophin deficiency.
Cardiomyopathy (CMYO). Also called: Cardiomyopathies. Identifiers: Orphanet 167848, MedGen C0878544, MONDO:0004994, HP:0001638. Inheritance: Various modes of inheritance.
Cardiovascular phenotype. Identifiers: MedGen CN230736.
DMD-related disorder. Also called: DMD-related condition.

Allele frequency attached by ClinVar (database versions not stated): gnomAD exomes below 0.00001 and 0.00001; ExAC 0.00001; ESP Exome Variant Server 0.00009; gnomAD 0.00010; TOPMed 0.00011.
gnomAD v4.1: 19 of 1,197,265 alleles (0.0016%); highest among the groups gnomAD compares: African/African-American, 0.022%; no homozygotes.

Submissions (6):

PreventionGenetics, part of Exact Sciences
Classification: Likely benign for DMD-related condition. Last evaluated: 2026-07-31. Review status: criteria provided, single submitter. Criteria: ACMG Guidelines, 2015. Collection method: clinical testing. Allele origin: germline.
Comment: This variant is classified as likely benign based on ACMG/AMP sequence variant interpretation guidelines (Richards et al. 2015 PMID: 25741868, with internal and published modifications).

Labcorp Genetics (formerly Invitae), Labcorp
Classification: Benign for Duchenne muscular dystrophy. Last evaluated: 2025-07-27. Review status: criteria provided, single submitter. Criteria: Invitae Variant Classification Sherloc (09022015). Collection method: clinical testing. Allele origin: germline.

GeneDx
Classification: Likely benign. Last evaluated: 2023-04-27. Review status: criteria provided, single submitter. Criteria: GeneDx Variant Classification Process June 2021. Collection method: clinical testing. Allele origin: germline. Affected: yes.
Comment: See Variant Classification Assertion Criteria.

Ambry Genetics
Classification: Uncertain significance for Cardiovascular phenotype. Last evaluated: 2023-01-27. Review status: criteria provided, single submitter. Criteria: Ambry Variant Classification Scheme 2023. Collection method: clinical testing. Allele origin: germline.
Comment: The p.R1183T variant (also known as c.3548G>C), located in coding exon 26 of the DMD gene, results from a G to C substitution at nucleotide position 3548. The arginine at codon 1183 is replaced by threonine, an amino acid with similar properties. Based on data from gnomAD, the C allele has an overall frequency of <0.01% (2/200582) total alleles studied, with 0 hemizygote(s) observed. The highest observed frequency was <0.01% (2/18499) of African alleles. This amino acid position is highly conserved in available vertebrate species. In addition, the in silico prediction for this alteration is inconclusive. Since supporting evidence is limited at this time, the clinical significance of this alteration remains unclear.

ARUP Laboratories, Molecular Genetics and Genomics, ARUP Laboratories
Classification: Uncertain significance. Last evaluated: 2019-12-09. Review status: criteria provided, single submitter. Criteria: ARUP Molecular Germline Variant Investigation Process. Collection method: clinical testing. Allele origin: germline.
Comment: The DMD c.3548G>C; p.Arg1183Thr variant (rs374993642), to our knowledge, is not reported in the medical literature or gene specific databases. This variant is only observed on two alleles in the Genome Aggregation Database, indicating it is not a common polymorphism. The arginine at codon 1183 is highly conserved, and computational analyses (SIFT: tolerated, PolyPhen-2: probably damaging) predict conflicting effects of this variant on protein structure/function. Due to limited information, the clinical significance of the p.Arg1183Thr variant is uncertain at this time.

Natera, Inc.
Classification: Uncertain significance for Becker muscular dystrophy; Cardiomyopathy; Duchenne muscular dystrophy; Dystrophin deficiency. Last evaluated: 2018-08-29. Review status: no assertion criteria provided. Collection method: clinical testing. Allele origin: germline. Not counted in ClinVar's aggregate classification.

NM_004006.3(DMD):c.3548G>C (p.Arg1183Thr)

Gene: DMD (dystrophin; minus strand). Cytogenetic location: Xp21.1.
Variant type: single nucleotide variant.
Coding change: c.3548G>C on transcript NM_004006.3 (MANE Select); coding-DNA position 3548, G replaced by C.
Protein change: p.Arg1183Thr; replaces arginine 1183 with threonine.
Molecular consequence: missense variant.
Genome position (GRCh38, 1-based): chrX:32,454,717, C>G on the plus strand (G>C on the coding strand, the complement: DMD is on the minus strand). VCF-style: chrX-32454717-C-G. GRCh37 (hg19) VCF-style: chrX-32472834-C-G.
Other names: c.3524G>C, p.Arg1175Thr (NM_000109.4); c.3536G>C, p.Arg1179Thr (NM_004009.3); c.3179G>C, p.Arg1060Thr (NM_004010.3); short protein forms R1175T, R1179T, R1183T, R1060T.
Identifiers: ClinVar variation 861572 (VCV000861572.18), dbSNP rs374993642, ClinGen allele CA10379249.